The following is an entry in ClinVar:

ClinVar aggregate classification (germline): Likely pathogenic (1 of 4 stars; one submission).

Conditions:
Primary ciliary dyskinesia 3. Identifiers: Orphanet 244, MedGen C1837618, MONDO:0012085, OMIM 608644.

Submission:

Myriad Genetics, Inc.
Classification: Likely pathogenic for Primary ciliary dyskinesia 3. Last evaluated: 2021-12-30. Review status: criteria provided, single submitter. Criteria: Myriad Women's Health Autosomal Recessive and X-Linked Classification Criteria (2021). Collection method: clinical testing. Allele origin: unknown.
Comment: NM_001369.2(DNAH5):c.10764_10765delTCinsA(Q3589Kfs*15) is expected to be pathogenic in the context of DNAH5-related primary ciliary dyskinesia. This variant is predicted to lead to an abnormal or absent protein product due to the creation of a premature termination codon in DNAH5, a gene where loss-of-function variants are known to be pathogenic. Please note: this variant was assessed in the context of healthy population screening.

NM_001369.3(DNAH5):c.10764_10765delinsA (p.Gln3589fs)

Gene: DNAH5 (dynein axonemal heavy chain 5; minus strand). Cytogenetic location: 5p15.2.
Variant type: Indel.
Coding change: c.10764_10765delinsA on transcript NM_001369.3 (MANE Select); coding-DNA positions 10764 to 10765, TC replaced by A.
Protein change: p.Gln3589fs; shifts the reading frame from glutamine 3589.
Molecular consequence: frameshift variant.
Genome position (GRCh38, 1-based): chr5:13,753,340-13,753,341, GA replaced by T on the plus strand (TC replaced by A on the coding strand, the reverse complement: DNAH5 is on the minus strand). VCF-style: chr5-13753340-GA-T. GRCh37 (hg19) VCF-style: chr5-13753449-GA-T.
Other names: short protein forms Q3589fs.
Identifiers: ClinVar variation 1726687 (VCV001726687.2), dbSNP rs2546614911, ClinGen allele CA2580072145.